The following is an entry in ClinVar:

NM_001042750.2(STAG2):c.3665T>C (p.Leu1222Pro)

Gene: STAG2 (STAG2 cohesin complex component; plus strand). Cytogenetic location: Xq25.
Variant type: single nucleotide variant.
Coding change: c.3665T>C on transcript NM_001042750.2 (MANE Select); coding-DNA position 3665, T replaced by C.
Protein change: p.Leu1222Pro; replaces leucine 1222 with proline.
Molecular consequence: missense variant.
Genome position (GRCh38, 1-based): chrX:124,094,104, T>C. VCF-style: chrX-124094104-T-C. GRCh37 (hg19) VCF-style: chrX-123227954-T-C.
Other names: c.3665T>C, p.Leu1222Pro (NM_001042749.2, NM_001375366.1, NM_001375367.1 and 5 more transcripts); c.3554T>C, p.Leu1185Pro (NM_001042751.2, NM_001282418.2, NM_001375373.1 and 5 more transcripts); short protein forms L1185P, L1222P.
Identifiers: ClinVar variation 1702626 (VCV001702626.2), dbSNP rs2148504213, ClinGen allele CA414282323.
Genomic context (GRCh38, chrX:124,094,104, plus strand): 5'-ATGATGAAGAGCCAATTGTGGAAGATGTTATGATGTCCTCAGAAGGGAGGATTGAGGATC[T>C]TAATGAGGGAATGGATTTTGACACCATGGATATAGATTTGGTAAGAAACTTAATGATTTC-3'
Protein context (NP_001036215.1, residues 1212-1232): MMSSEGRIED[Leu1222Pro]NEGMDFDTMD

ClinVar aggregate classification (germline): Uncertain significance (1 of 4 stars; one submission).

Submission:

GeneDx
Classification: Uncertain significance. Last evaluated: 2022-02-22. Review status: criteria provided, single submitter. Criteria: GeneDx Variant Classification Process June 2021. Collection method: clinical testing. Allele origin: germline. Affected: yes.
Comment: Not observed at significant frequency in large population cohorts (gnomAD); In silico analysis supports that this missense variant does not alter protein structure/function; Has not been previously published as pathogenic or benign to our knowledge